The following is an entry in ClinVar:

NM_001357.5(DHX9):c.1843G>A (p.Glu615Lys)

Gene: DHX9 (DExH-box helicase 9; plus strand). Cytogenetic location: 1q25.3.
Variant type: single nucleotide variant.
Coding change: c.1843G>A on transcript NM_001357.5 (MANE Select); coding-DNA position 1843, G replaced by A.
Protein change: p.Glu615Lys; replaces glutamic acid 615 with lysine.
Molecular consequence: missense variant. On other transcripts: non-coding transcript variant (1).
Genome position (GRCh38, 1-based): chr1:182,876,077, G>A. VCF-style: chr1-182876077-G-A. GRCh37 (hg19) VCF-style: chr1-182845212-G-A.
Other names: short protein forms E615K.
Identifiers: ClinVar variation 3898768 (VCV003898768.1).
Genomic context (GRCh38, chr1:182,876,077, plus strand): 5'-CAATCCAAAAATATGTCTCCCTGTTTTTTACAGGCAAATTGCAACTTGATCTGTGGTGAT[G>A]AATATGGTCCAGAAACAAGGTTGAGCATGTCTCAATTGAACGAAAAGGAAACTCCTTTTG-3'
Protein context (NP_001348.2, residues 605-625): DANCNLICGD[Glu615Lys]YGPETRLSMS

ClinVar aggregate classification (germline): Uncertain significance (1 of 4 stars; one submission).

Submission:

GeneDx
Classification: Uncertain significance. Last evaluated: 2024-11-07. Review status: criteria provided, single submitter. Criteria: GeneDx Variant Classification Process June 2021. Collection method: clinical testing. Allele origin: germline. Affected: yes.
Comment: Not observed at significant frequency in large population cohorts (gnomAD); In silico analysis indicates that this missense variant does not alter protein structure/function; Has not been previously published as pathogenic or benign to our knowledge